The following is an entry in ClinVar:

GRCh37/hg19 17q25.1(chr17:73926095-73949575)x3

Genes: ACOX1 (acyl-CoA oxidase 1; minus strand), FBF1 (Fas binding factor 1; minus strand). Cytogenetic location: 17q25.1.
Variant type: copy number gain.
Change: copy number 3 (three copies instead of two) of chr17:73,926,095-73,949,575 (23.5 kb, GRCh37 coordinates, 1-based), cytogenetic band 17q25.1.
Identifiers: ClinVar variation 988933 (VCV000988933.4).

ClinVar aggregate classification (germline): Uncertain significance (1 of 4 stars; one submission).

Submission:

Illumina Laboratory Services, Illumina
Classification: Uncertain significance. Last evaluated: 2020-04-17. Review status: criteria provided, single submitter. Criteria: ICSL CNVClassificationCriteria Aug2020. Collection method: clinical testing. Allele origin: unknown.
Comment: This CNV is a 23 kb duplication of 17q25.1 on chromosome 17, (seq[GRCh37]dup(17)( q25.1); chr17:g.73926095_73949575dup), which is inherited. This CNV constitutes a gain which partially encompasses 2 genes, FBF1 and ACOX1. The centromeric breakpoint is located within the FBF1 gene, which currently has no established human disease association, and the telomeric breakpoint is located within the ACOX1 gene, which is associated with autosomal recessive peroxisomal acyl-CoA oxidase deficiency. A small number of partially overlapping gains with breakpoints which also lie within the ACOX1 gene have been reported in the DECIPHER databases and in the Database of Genomic Variants in individuals with varied neurodevelopmental phenotypes and in ostensibly healthy controls respectively (Firth et al. 2009; MacDonald et al. 2014). Although the evidence supporting a role for this event in autosomal dominant phenotypes is limited, the possibility exists that it may confer carrier status for peroxisomal acyl-CoA oxidase deficiency. However, given the unpredictable biological consequences of small genomic gains, corroborating functional and clinical data would be needed to clarify the consequences of this variant. Based on the evidence, this CNV is classified as a variant of uncertain significance.

Literature cited by the submitters: PubMed 19344873; PubMed 24174537.